The following is an entry in ClinVar:

NC_000023.10:g.(?_70348964)_(70350064_?)dup

Gene: MED12 (mediator complex subunit 12; plus strand). Cytogenetic location: Xq13.1.
Variant type: Duplication.
Identifiers: ClinVar variation 417448 (VCV000417448.1).

ClinVar aggregate classification (germline): Uncertain significance (1 of 4 stars; one submission).

Conditions:
FG syndrome 1 (OKS). Also called: FG Syndrome Type 1 (FGS1); OPITZ-KAVEGGIA SYNDROME; KELLER SYNDROME; MENTAL RETARDATION, LARGE HEAD, IMPERFORATE ANUS, CONGENITAL HYPOTONIA, AND PARTIAL AGENESIS OF CORPUS CALLOSUM. Identifiers: Orphanet 93932, MedGen C5399762, MONDO:0010590, OMIM 305450.

Submission:

Labcorp Genetics (formerly Invitae), Labcorp
Classification: Uncertain significance for FG syndrome. Last evaluated: 2016-07-31. Review status: criteria provided, single submitter. Criteria: Invitae Variant Classification Sherloc (09022015). Collection method: clinical testing. Allele origin: germline.
Comment: This variant is a gross duplication of the genomic region encompassing exons 25-28 of the MED12 gene. While the exact position of the duplicated exons cannot be determined from this data, the duplicated copy of this region is likely in tandem and may result in an absent or disrupted protein product. This variant is not present in population databases (ExAC no frequency) and has not been reported in the literature in individuals with a MED12-related disease. The current clinical and genetic evidence is not sufficient to establish whether loss-of-function variants in MED12 cause disease. Therefore, this variant has been classified as a Variant of Uncertain Significance.